The following is an entry in ClinVar:

NM_006514.4(SCN10A):c.1806T>G (p.Asp602Glu)

Gene: SCN10A (sodium voltage-gated channel alpha subunit 10; minus strand). Cytogenetic location: 3p22.2.
Variant type: single nucleotide variant.
Coding change: c.1806T>G on transcript NM_006514.4 (MANE Select); coding-DNA position 1806, T replaced by G.
Protein change: p.Asp602Glu; replaces aspartic acid 602 with glutamic acid.
Molecular consequence: missense variant.
Genome position (GRCh38, 1-based): chr3:38,750,134, A>C on the plus strand (T>G on the coding strand, the complement: SCN10A is on the minus strand). VCF-style: chr3-38750134-A-C. GRCh37 (hg19) VCF-style: chr3-38791625-A-C.
Other names: c.1806T>G, p.Asp602Glu (NM_001293306.2); c.1512T>G, p.Asp504Glu (NM_001293307.2); short protein forms D504E, D602E.
Identifiers: ClinVar variation 4864103 (VCV004864103.1).

ClinVar aggregate classification (germline): Uncertain significance (1 of 4 stars; one submission).

Conditions:
Cardiovascular phenotype. Identifiers: MedGen CN230736.

Submission:

Ambry Genetics
Classification: Uncertain significance for Cardiovascular phenotype. Last evaluated: 2026-04-27. Review status: criteria provided, single submitter. Criteria: Ambry Variant Classification Scheme 2023. Collection method: clinical testing. Allele origin: germline.
Comment: The p.D602E variant (also known as c.1806T>G), located in coding exon 12 of the SCN10A gene, results from a T to G substitution at nucleotide position 1806. The aspartic acid at codon 602 is replaced by glutamic acid, an amino acid with highly similar properties. This amino acid position is conserved. In addition, this alteration is predicted to be tolerated by in silico analysis. Based on the available evidence, the clinical significance of this variant remains unclear.